The following is an entry in ClinVar:

NM_001080421.3(UNC13A):c.739G>A (p.Glu247Lys)

Gene: UNC13A (unc-13 homolog A; minus strand). Cytogenetic location: 19p13.11.
Variant type: single nucleotide variant.
Coding change: c.739G>A on transcript NM_001080421.3 (MANE Select); coding-DNA position 739, G replaced by A.
Protein change: p.Glu247Lys; replaces glutamic acid 247 with lysine.
Molecular consequence: missense variant.
Genome position (GRCh38, 1-based): chr19:17,658,090, C>T on the plus strand (G>A on the coding strand, the complement: UNC13A is on the minus strand). VCF-style: chr19-17658090-C-T. GRCh37 (hg19) VCF-style: chr19-17768899-C-T.
Other names: c.739G>A (NM_001080421.2); c.739G>A, p.Glu247Lys (NM_001387021.1, NM_001387022.1, NM_001387023.1); short protein forms E247K.
Identifiers: ClinVar variation 808502 (VCV000808502.44), dbSNP rs200805380, ClinGen allele CA9298675.

ClinVar aggregate classification (germline): Uncertain significance. Review status: criteria provided, multiple submitters, no conflicts (2 of 4 stars). 3 submissions from 3 submitters: Uncertain significance (2). 1 of the submissions does not count toward it. Last evaluated 2017-09-01.

Conditions:
UNC13A-related disorder. Also called: UNC13A-related condition.

Allele frequency attached by ClinVar (database versions not stated): TOPMed 0.00040; ESP Exome Variant Server 0.00024; gnomAD exomes 0.00030 and 0.00032; gnomAD 0.00035 and 0.00036; ExAC 0.00040.

Submissions (3):

CeGaT Center for Human Genetics Tuebingen
Classification: Uncertain significance. Last evaluated: 2017-09-01. Review status: criteria provided, single submitter. Criteria: CeGaT Center For Human Genetics Tuebingen Variant Classification Criteria Version 2. Collection method: clinical testing. Allele origin: germline. Affected: yes. Observed: 1 variant allele.

Breakthrough Genomics
Classification: Uncertain significance. Review status: criteria provided, single submitter. Criteria: ACMG Guidelines, 2015. Collection method: not provided. Allele origin: germline. Inheritance: Autosomal dominant inheritance. Affected: yes.

PreventionGenetics, part of Exact Sciences
Classification: Likely benign for UNC13A-related condition. Last evaluated: 2022-06-27. Review status: no assertion criteria provided. Collection method: clinical testing. Allele origin: germline. Not counted in ClinVar's aggregate classification.
Comment: This variant is classified as likely benign based on ACMG/AMP sequence variant interpretation guidelines (Richards et al. 2015 PMID: 25741868, with internal and published modifications).